The following is an entry in ClinVar:

ClinVar aggregate classification (germline): Uncertain significance (1 of 4 stars; one submission).

Conditions:
Myoclonic dystonia 11 (DYT11). Also called: SGCE Myoclonus-Dystonia; Myoclonus-Dystonia; DYT-SGCE; Myoclonic dystonia; Dystonia 11; Dystonia, alcohol responsive. Identifiers: Orphanet 36899, MedGen C1834570, MONDO:0008044, OMIM 159900.

Allele frequency attached by ClinVar (database versions not stated): ExAC below 0.00001; TOPMed 0.00001; ESP Exome Variant Server 0.00008.

Submission:

Labcorp Genetics (formerly Invitae), Labcorp
Classification: Uncertain significance for Myoclonic dystonia 11. Last evaluated: 2019-03-01. Review status: criteria provided, single submitter. Criteria: Invitae Variant Classification Sherloc (09022015). Collection method: clinical testing. Allele origin: germline.
Comment: This sequence change replaces glycine with arginine at codon 124 of the SGCE protein (p.Gly124Arg). The glycine residue is highly conserved and there is a moderate physicochemical difference between glycine and arginine. The frequency data for this variant in the population databases is considered unreliable, as metrics indicate poor data quality at this position in the ExAC database. This variant has not been reported in the literature in individuals with SGCE-related disease. Algorithms developed to predict the effect of missense changes on protein structure and function (SIFT, PolyPhen-2, Align-GVGD) all suggest that this variant is likely to be disruptive, but these predictions have not been confirmed by published functional studies and their clinical significance is uncertain. In summary, the available evidence is currently insufficient to determine the role of this variant in disease. Therefore, it has been classified as a Variant of Uncertain Significance.

NM_003919.3(SGCE):c.370G>A (p.Gly124Arg)

Genes: CASD1 (CAS1 domain sialic acid O acetyltransferase 1; plus strand), SGCE (sarcoglycan epsilon; minus strand). Cytogenetic location: 7q21.3.
Variant type: single nucleotide variant.
Coding change: c.370G>A on transcript NM_003919.3 (MANE Select); coding-DNA position 370, G replaced by A.
Protein change: p.Gly124Arg; replaces glycine 124 with arginine.
Molecular consequence: missense variant.
Genome position (GRCh38, 1-based): chr7:94,628,222, C>T on the plus strand (G>A on the coding strand, the complement: SGCE is on the minus strand). VCF-style: chr7-94628222-C-T. GRCh37 (hg19) VCF-style: chr7-94257534-C-T.
Other names: c.370G>A, p.Gly124Arg (NM_001099400.2, NM_001099401.2, NM_001346717.2); c.247G>A, p.Gly83Arg (NM_001301139.2, NM_001362809.2); c.478G>A, p.Gly160Arg (NM_001346713.2, NM_001346715.2); c.283G>A, p.Gly95Arg (NM_001346719.2, NM_001362807.2); c.97G>A, p.Gly33Arg (NM_001346720.2, NM_001362808.2); short protein forms G33R, G83R, G95R, G160R, G124R.
Identifiers: ClinVar variation 650350 (VCV000650350.10), dbSNP rs142076876, ClinGen allele CA4348835.